The following is an entry in ClinVar:

NM_000051.4(ATM):c.186-7C>T

Gene: ATM (ATM serine/threonine kinase; plus strand). Cytogenetic location: 11q22.3.
Variant type: single nucleotide variant.
Coding change: c.186-7C>T on transcript NM_000051.4 (MANE Select); 7 bases into the intron before coding-DNA position 186, C replaced by T.
Molecular consequence: intron variant.
Genome position (GRCh38, 1-based): chr11:108,229,171, C>T. VCF-style: chr11-108229171-C-T. GRCh37 (hg19) VCF-style: chr11-108099898-C-T.
Other names: p.?; c.186-7C>T (NM_001351834.2, NM_001351835.2, NM_001351836.2).
Identifiers: ClinVar variation 135737 (VCV000135737.46), dbSNP rs55674039, ClinGen allele CA289568.

ClinVar aggregate classification (germline): Benign/Likely benign. Review status: criteria provided, multiple submitters, no conflicts (2 of 4 stars). 24 submissions from 24 submitters: Benign (14); Likely benign (3). 7 of the submissions do not count toward it. Last evaluated 2026-02-03.

Conditions:
Breast and/or ovarian cancer. Identifiers: MedGen CN221562.
Hereditary cancer-predisposing syndrome. Also called: Tumor predisposition; Hereditary neoplastic syndrome; Neoplastic Syndromes, Hereditary; Hereditary Cancer Syndrome. Identifiers: Orphanet 140162, MedGen C0027672, MeSH D009386, MONDO:0015356.
Hereditary breast ovarian cancer syndrome. Also called: Hereditary breast and ovarian cancer; BRCA1- and BRCA2-Associated Hereditary Breast and Ovarian Cancer; Hereditary breast and/or ovarian cancer syndrome; Hereditary breast and ovarian cancer syndrome; Hereditary breast and ovarian cancer syndrome (HBOC); Breast and ovarian cancer. Identifiers: Orphanet 145, MedGen C0677776, MeSH D061325, MONDO:0003582. Disease mechanism: loss of function.
Carcinoma of colon (CRC). Also called: Colonic carcinoma; Colon carcinoma. Identifiers: MedGen C0699790, MONDO:0002032.
Familial cancer of breast. Also called: hereditary breast carcinoma; Hereditary breast cancer; BREAST CANCER, FAMILIAL. Identifiers: Orphanet 227535, MedGen C0346153, MONDO:0016419, OMIM 114480. Disease mechanism: loss of function.
Ataxia-telangiectasia syndrome (AT). Also called: Cerebello-oculocutaneous telangiectasia; Immunodeficiency with ataxia telangiectasia; ATAXIA-TELANGIECTASIA, COMPLEMENTATION GROUP A; ATAXIA-TELANGIECTASIA, FRESNO VARIANT; Ataxia-telangiectasia; Ataxia-telangiectasia, complementation group D. Identifiers: Orphanet 100, MedGen C0004135, MONDO:0008840, OMIM 208900.

Allele frequency attached by ClinVar (database versions not stated): ESP Exome Variant Server 0.00479; gnomAD 0.00513 and 0.00568; TOPMed 0.00597; gnomAD exomes 0.00053 and 0.00124; ExAC 0.00178; 1000 Genomes Project 0.00339; 1000 Genomes Project 30x 0.00422.

Submissions (24):

Labcorp Genetics (formerly Invitae), Labcorp
Classification: Benign for Ataxia-telangiectasia syndrome. Last evaluated: 2026-02-03. Review status: criteria provided, single submitter. Criteria: Invitae Variant Classification Sherloc (09022015). Collection method: clinical testing. Allele origin: germline.

Center for Genomic Medicine, Rigshospitalet, Copenhagen University Hospital
Classification: Benign. Last evaluated: 2025-03-04. Review status: criteria provided, single submitter. Criteria: ACMG Guidelines, 2015. Collection method: clinical testing. Allele origin: germline.

Blueprint Genetics
Classification: Likely benign. Last evaluated: 2024-11-27. Review status: criteria provided, single submitter. Criteria: ACMG Guidelines, 2015. Collection method: clinical testing. Allele origin: germline.

ARUP Laboratories, Molecular Genetics and Genomics, ARUP Laboratories
Classification: Benign. Last evaluated: 2024-10-08. Review status: criteria provided, single submitter. Criteria: ARUP Molecular Germline Variant Investigation Process 2024. Collection method: clinical testing. Allele origin: germline.

Athena Diagnostics
Classification: Benign. Last evaluated: 2024-05-09. Review status: criteria provided, single submitter. Criteria: Athena Diagnostics Criteria. Collection method: clinical testing. Allele origin: unknown.

Myriad Genetics, Inc.
Classification: Benign for Familial cancer of breast. Last evaluated: 2024-04-18. Review status: criteria provided, single submitter. Criteria: Myriad Autosomal Dominant, Autosomal Recessive and X-Linked Classification Criteria (2023). Collection method: clinical testing. Allele origin: unknown.
Comment: This variant is considered benign. This variant is intronic and is not expected to impact mRNA splicing. This variant is strongly associated with less severe personal and family histories of cancer, typical for individuals without pathogenic variants in this gene [PMID: 25085752]. This variant has been observed at a population frequency that is significantly greater than expected given the associated disease prevalence and penetrance.

KCCC/NGS Laboratory, Kuwait Cancer Control Center
Classification: Benign for Familial cancer of breast. Last evaluated: 2023-07-07. Review status: criteria provided, single submitter. Criteria: ACMG Guidelines, 2015. Collection method: clinical testing. Allele origin: germline. Affected: yes.

CHEO Genetics Diagnostic Laboratory, Children's Hospital of Eastern Ontario
Classification: Benign for Breast and/or ovarian cancer. Last evaluated: 2023-02-17. Review status: criteria provided, single submitter. Criteria: ACMG Guidelines, 2015. Collection method: clinical testing. Allele origin: germline.

National Health Laboratory Service, Universitas Academic Hospital and University of the Free State
Classification: Likely benign for Hereditary breast ovarian cancer syndrome. Last evaluated: 2022-04-19. Review status: criteria provided, single submitter. Criteria: ACMG Guidelines, 2015. Collection method: clinical testing. Allele origin: germline. Affected: yes. Observed: 8 variant alleles.

Mayo Clinic Laboratories, Mayo Clinic
Classification: Benign. Last evaluated: 2021-09-23. Review status: criteria provided, single submitter. Criteria: ACMG Guidelines, 2015. Collection method: clinical testing. Allele origin: germline. Observed: 8 variant alleles.
Comment: BS1, BS2, BP4

Genetic Services Laboratory, University of Chicago
Classification: Benign. Last evaluated: 2018-12-19. Review status: criteria provided, single submitter. Criteria: ACMG Guidelines, 2015. Collection method: clinical testing. Allele origin: germline. Affected: no.

Illumina Laboratory Services, Illumina
Classification: Likely benign for Ataxia-telangiectasia syndrome. Last evaluated: 2018-01-13. Review status: criteria provided, single submitter. Criteria: ICSL Variant Classification Criteria 13 December 2019. Collection method: clinical testing. Allele origin: germline.
Comment: This variant was observed in the ICSL laboratory as part of a predisposition screen in an ostensibly healthy population. It had not been previously curated by ICSL or reported in the Human Gene Mutation Database (HGMD: prior to June 1st, 2018), and was therefore a candidate for classification through an automated scoring system. Utilizing variant allele frequency, disease prevalence and penetrance estimates, and inheritance mode, an automated score was calculated to assess if this variant is too frequent to cause the disease. Based on the score and internal cut-off values, a variant classified as likely benign is not then subjected to further curation. The score for this variant resulted in a classification of likely benign for this disease.

PreventionGenetics, part of Exact Sciences
Classification: Benign. Last evaluated: 2016-10-03. Review status: criteria provided, single submitter. Criteria: ACMG Guidelines, 2015. Collection method: clinical testing. Allele origin: germline.

Women's Health and Genetics/Laboratory Corporation of America, LabCorp
Classification: Benign. Last evaluated: 2016-03-25. Review status: criteria provided, single submitter. Criteria: LabCorp Variant Classification Summary - May 2015. Collection method: clinical testing. Allele origin: germline.
Comment: Variant summary: The c.186-7C>T variant affects a non-conserved intronic nucleotide. Mutation taster predicts benign outcome for this variant. 5/5 programs in Alamut predict no significant effect on RNA splicing sites. ESE finder predicts that this variant may affect ESE site of SRp40. However, these predictions are not validated by experimental studies yet. This variant is found in 149/83742 control chromosomes, predominantly observed in African subpopulation in ExAC with observed MAF of 0.01887 (139/7368 chr, 1 homozygote), This frequency exceeds the maximal expected frequency of a pathogenic allele (0.0005), suggesting this variant is a benign polymorphism especially for Africans. This variant has been reported in multiple pts with different kinds of cancers (including BrC, T-ALL, AML, LS associated cancer, etc.) without strong evidence for causality. In addition, two clinical laboratories via ClinVar classified this variant as benign, without evidence to independently evaluate. Taken together, this variant was classified as Benign.

Ambry Genetics
Classification: Benign for Hereditary cancer-predisposing syndrome. Last evaluated: 2016-02-06. Review status: criteria provided, single submitter. Criteria: Ambry Variant Classification Scheme 2023. Collection method: clinical testing. Allele origin: germline.

Color Diagnostics, LLC DBA Color Health
Classification: Benign for Hereditary cancer-predisposing syndrome. Last evaluated: 2015-04-13. Review status: criteria provided, single submitter. Criteria: ACMG Guidelines, 2015. Collection method: clinical testing. Allele origin: germline.

GeneDx
Classification: Benign. Last evaluated: 2013-10-11. Review status: criteria provided, single submitter. Criteria: GeneDx Variant Classification (06012015). Collection method: clinical testing. Allele origin: germline. Affected: yes.
Comment: This variant is considered likely benign or benign based on one or more of the following criteria: it is a conservative change, it occurs at a poorly conserved position in the protein, it is predicted to be benign by multiple in silico algorithms, and/or has population frequency not consistent with disease.

Natera, Inc.
Classification: Benign for Ataxia-telangiectasia. Last evaluated: 2020-09-16. Review status: no assertion criteria provided. Collection method: clinical testing. Allele origin: germline. Not counted in ClinVar's aggregate classification.

Clinical Genetics DNA and cytogenetics Diagnostics Lab, Erasmus MC, Erasmus Medical Center
Classification: Benign. Review status: no assertion criteria provided. Collection method: clinical testing. Allele origin: germline. Affected: yes. Study: VKGL Data-share Consensus. Not counted in ClinVar's aggregate classification.

Department of Pathology and Laboratory Medicine, Sinai Health System
Classification: Benign for Carcinoma of colon. Review status: no assertion criteria provided. Collection method: clinical testing. Allele origin: unknown. Affected: yes. Study: The Canadian Open Genetics Repository (COGR). Not counted in ClinVar's aggregate classification.
Comment: The ATM c.186-7C>T variant was identified in 4 of 2730 proband chromosomes (frequency: 0.00146) from individuals or families with Lynch syndrome (Yorczyk 2015, Yurgelun 2015). The variant was also identified in dbSBP (ID: rs55674039) as â€šÃ„ÃºWith Benign allele,â€šÃ„Ã¹ ClinVar (as benign by GeneDx and Invitae), and Clinvitae (as benign) databases. The variant was not identified in Cosmic, MutDB, LOVD 3.0, ATM-LOVD databases. The variant was identified in control databases in 438 of 270788 chromosomes at a frequency of 0.001618 increasing the likelihood this could be a low frequency benign variant (Genome Aggregation Consortium Feb 27, 2017). The variant was identified in the African population at a frequency greater than 1% in 404 (4 homozygous) of 23450 chromosomes (freq: 0.017), and at lower frequencies in the following populations: Other in 3 of 6358 chromosomes (freq. 0.00047), Latino in 24 of 33868 chromosomes (freq. 0.0007), European (Non-Finnish) in 3 of 123042 chromosomes (freq. 0.00002), and South Asian in 4 of 29908 chromosomes (freq. 0.0001), increasing the likelihood this could be a low frequency benign variant. The c.186-7C>T variant is located in the 3' splice region but does not affect the invariant -1 and -2 positions. However, positions -3 and -5 to -12 are part of the splicing consensus sequence and variants involving these positions sometimes affect splicing. However, in silico or computational prediction software programs (SpliceSiteFinder, MaxEntScan, NNSPLICE, GeneSplicer, HumanSpliceFinder) do not predict a difference in splicing. In summary, based on the above information this variant meets our laboratory's criteria to be classified as benign.

Genome Diagnostics Laboratory, Amsterdam University Medical Center
Classification: Benign. Review status: no assertion criteria provided. Collection method: clinical testing. Allele origin: germline. Affected: yes. Study: VKGL Data-share Consensus. Not counted in ClinVar's aggregate classification.

Genome Diagnostics Laboratory, University Medical Center Utrecht
Classification: Likely benign. Review status: no assertion criteria provided. Collection method: clinical testing. Allele origin: germline. Affected: yes. Study: VKGL Data-share Consensus. Not counted in ClinVar's aggregate classification.

Joint Genome Diagnostic Labs from Nijmegen and Maastricht, Radboudumc and MUMC+
Classification: Benign. Review status: no assertion criteria provided. Collection method: clinical testing. Allele origin: germline. Affected: yes. Study: VKGL Data-share Consensus. Not counted in ClinVar's aggregate classification.

Laboratory of Diagnostic Genome Analysis, Leiden University Medical Center (LUMC)
Classification: Benign. Review status: no assertion criteria provided. Collection method: clinical testing. Allele origin: germline. Affected: yes. Study: VKGL Data-share Consensus. Not counted in ClinVar's aggregate classification.

Literature cited by the submitters: PubMed 25318351 (cited by 3 submitters); PubMed 25980754 (cited by 3 submitters); PubMed 17517479 (cited by Athena Diagnostics and Women's Health and Genetics/Laboratory Corporation of America, LabCorp); PubMed 12673804 (cited by Athena Diagnostics and Women's Health and Genetics/Laboratory Corporation of America, LabCorp); PubMed 31415627 (cited by Athena Diagnostics); PubMed 17333338 (cited by Athena Diagnostics); PubMed 12935933 (cited by Athena Diagnostics); PubMed 25085752 (cited by Myriad Genetics, Inc.).